The following is an entry in ClinVar:

ClinVar aggregate classification (germline): Uncertain significance. Review status: criteria provided, multiple submitters, no conflicts (2 of 4 stars). 2 submissions from 2 submitters: Uncertain significance (2). Last evaluated 2024-05-02.

Conditions:
Hereditary cancer-predisposing syndrome. Also called: Tumor predisposition; Hereditary neoplastic syndrome; Hereditary Cancer Syndrome; Neoplastic Syndromes, Hereditary. Identifiers: Orphanet 140162, MedGen C0027672, MeSH D009386, MONDO:0015356.

Allele frequency attached by ClinVar (database versions not stated): TOPMed below 0.00001.

Submissions (2):

Labcorp Genetics (formerly Invitae), Labcorp
Classification: Uncertain significance. Last evaluated: 2024-05-02. Review status: criteria provided, single submitter. Criteria: Invitae Variant Classification Sherloc (09022015). Collection method: clinical testing. Allele origin: germline.
Comment: This sequence change replaces asparagine, which is neutral and polar, with serine, which is neutral and polar, at codon 591 of the MSH3 protein (p.Asn591Ser). This variant is not present in population databases (gnomAD no frequency). This variant has not been reported in the literature in individuals affected with MSH3-related conditions. An algorithm developed to predict the effect of missense changes on protein structure and function (PolyPhen-2) suggests that this variant is likely to be tolerated. In summary, the available evidence is currently insufficient to determine the role of this variant in disease. Therefore, it has been classified as a Variant of Uncertain Significance.

Ambry Genetics
Classification: Uncertain significance for Hereditary cancer-predisposing syndrome. Last evaluated: 2023-11-16. Review status: criteria provided, single submitter. Criteria: Ambry Variant Classification Scheme 2023. Collection method: clinical testing. Allele origin: germline.
Comment: The p.N591S variant (also known as c.1772A>G), located in coding exon 13 of the MSH3 gene, results from an A to G substitution at nucleotide position 1772. The asparagine at codon 591 is replaced by serine, an amino acid with highly similar properties. This amino acid position is conserved. In addition, this alteration is predicted to be tolerated by in silico analysis. Since supporting evidence is limited at this time, the clinical significance of this alteration remains unclear.

NM_002439.5(MSH3):c.1772A>G (p.Asn591Ser)

Gene: MSH3 (mutS homolog 3; plus strand). Cytogenetic location: 5q14.1.
Variant type: single nucleotide variant.
Coding change: c.1772A>G on transcript NM_002439.5 (MANE Select); coding-DNA position 1772, A replaced by G.
Protein change: p.Asn591Ser; replaces asparagine 591 with serine.
Molecular consequence: missense variant.
Genome position (GRCh38, 1-based): chr5:80,761,554, A>G. VCF-style: chr5-80761554-A-G. GRCh37 (hg19) VCF-style: chr5-80057373-A-G.
Other names: short protein forms N591S.
Identifiers: ClinVar variation 3222249 (VCV003222249.3), dbSNP rs1744033565, ClinGen allele CA360276486.